The following is an entry in ClinVar:

ClinVar aggregate classification (germline): Likely benign. Review status: criteria provided, multiple submitters, no conflicts (2 of 4 stars). 2 submissions from 2 submitters: Likely benign (2). Last evaluated 2018-06-16.

Allele frequency attached by ClinVar (database versions not stated): 1000 Genomes Project 0.00659; 1000 Genomes Project 30x 0.00718; gnomAD 0.01366; TOPMed 0.01579.
gnomAD v4.1: 14,880 of 810,916 alleles (1.8%); highest among the groups gnomAD compares: Middle Eastern, 3.2%; 206 homozygotes.

Submissions (2):

GeneDx
Classification: Likely benign. Last evaluated: 2018-06-16. Review status: criteria provided, single submitter. Criteria: GeneDx Variant Classification (06012015). Collection method: clinical testing. Allele origin: germline. Affected: yes.
Comment: This variant is considered likely benign or benign based on one or more of the following criteria: it is a conservative change, it occurs at a poorly conserved position in the protein, it is predicted to be benign by multiple in silico algorithms, and/or has population frequency not consistent with disease.

Breakthrough Genomics
Classification: Likely benign. Review status: criteria provided, single submitter. Criteria: ACMG Guidelines, 2015. Collection method: not provided. Allele origin: germline. Inheritance: Autosomal dominant inheritance. Affected: yes.

NM_005633.4(SOS1):c.2511-98C>G

Gene: SOS1 (SOS Ras/Rac guanine nucleotide exchange factor 1; minus strand). Cytogenetic location: 2p22.1.
Variant type: single nucleotide variant.
Coding change: c.2511-98C>G on transcript NM_005633.4 (MANE Select); 98 bases into the intron before coding-DNA position 2511, C replaced by G.
Molecular consequence: intron variant.
Genome position (GRCh38, 1-based): chr2:39,007,291, G>C on the plus strand (C>G on the coding strand, the complement: SOS1 is on the minus strand). VCF-style: chr2-39007291-G-C. GRCh37 (hg19) VCF-style: chr2-39234432-G-C.
Other names: c.2490-98C>G (NM_001382394.1); c.2511-98C>G (NM_001382395.1).
Identifiers: ClinVar variation 561380 (VCV000561380.2), dbSNP rs41280637, ClinGen allele CA11064199.